The following is an entry in ClinVar:

NM_005450.6(NOG):c.545G>C (p.Arg182Pro)

Gene: NOG (noggin; plus strand). Cytogenetic location: 17q22.
Variant type: single nucleotide variant.
Coding change: c.545G>C on transcript NM_005450.6 (MANE Select); coding-DNA position 545, G replaced by C.
Protein change: p.Arg182Pro; replaces arginine 182 with proline.
Molecular consequence: missense variant.
Genome position (GRCh38, 1-based): chr17:56,594,768, G>C. VCF-style: chr17-56594768-G-C. GRCh37 (hg19) VCF-style: chr17-54672129-G-C.
Other names: short protein forms R182P.
Identifiers: ClinVar variation 3382452 (VCV003382452.2).

ClinVar aggregate classification (germline): Uncertain significance (1 of 4 stars; one submission).

Conditions:
Brachydactyly type B2 (BDB2). Identifiers: Orphanet 140908, MedGen C1969652, MONDO:0012658, OMIM 611377.
Tarsal-carpal coalition syndrome. Identifiers: Orphanet 1412, MedGen C1861305, MONDO:0008521, OMIM 186570.
Symphalangism-brachydactyly syndrome (SYNS1). Also called: WL SYNDROME; DEAFNESS-SYMPHALANGISM SYNDROME OF HERRMANN; FACIOAUDIOSYMPHALANGISM SYNDROME; Multiple synostoses syndrome 1. Identifiers: Orphanet 3237, MedGen C0342282, MONDO:0008519, OMIM 186500.
Stapes ankylosis with broad thumbs and toes. Also called: STAPES ANKYLOSIS SYNDROME WITHOUT SYMPHALANGISM; TEUNISSEN-CREMERS SYNDROME; ANKYLOSIS OF STAPES, HYPEROPIA, BROAD THUMBS, BROAD FIRST TOES, AND SYNDACTYLY. Identifiers: Orphanet 140917, MedGen C1866656, MONDO:0008484, OMIM 184460.
Proximal symphalangism 1A. Also called: CUSHING SYMPHALANGISM; HEREDITARY ABSENCE OF THE PROXIMAL INTERPHALANGEAL JOINTS. Identifiers: Orphanet 3250, MedGen C3714899, MONDO:0020733, OMIM 185800.

Submission:

Juno Genomics, Hangzhou Juno Genomics, Inc
Classification: Uncertain significance for Brachydactyly type B2; Symphalangism-brachydactyly syndrome; Stapes ankylosis with broad thumbs and toes; Proximal symphalangism 1A; Tarsal-carpal coalition syndrome. Review status: criteria provided, single submitter. Criteria: ACMG Guidelines, 2015. Collection method: clinical testing. Allele origin: germline. Affected: yes.
Comment: Absent from controls (or at extremely low frequency if recessive) in Genome Aggregation Database, Exome Sequencing Project, 1000 Genomes Project, or Exome Aggregation Consortium.;Multiple lines of computational evidence support a deleterious effect on the gene or gene product (conservation, evolutionary, splicing impact, etc).;Patient's phenotype or family history is highly specific for a disease with a single genetic etiology.